The following is an entry in ClinVar:

NM_001365276.2(TNXB):c.9488C>G (p.Ala3163Gly)

Gene: TNXB (tenascin XB; minus strand). Cytogenetic location: 6p21.33.
Variant type: single nucleotide variant.
Coding change: c.9488C>G on transcript NM_001365276.2 (MANE Select); coding-DNA position 9488, C replaced by G.
Protein change: p.Ala3163Gly; replaces alanine 3163 with glycine.
Molecular consequence: missense variant.
Genome position (GRCh38, 1-based): chr6:32,049,539, G>C on the plus strand (C>G on the coding strand, the complement: TNXB is on the minus strand). VCF-style: chr6-32049539-G-C. GRCh37 (hg19) VCF-style: chr6-32017316-G-C.
Other names: c.9482C>G, p.Ala3161Gly (NM_019105.8); short protein forms A3161G, A3163G.
Identifiers: ClinVar variation 1300638 (VCV001300638.10), dbSNP rs561810058, ClinGen allele CA3733505.
Genomic context (GRCh38, chr6:32,049,539, plus strand): 5'-CTCAGCGAGTCAGGGGAGGATCCTGTCACTGTCAACTCCCCCAGGAGCGGCTCCTCAGGG[G>C]CCTCCGGGGCCTCAGTGCTGGGTTCTGTGGGGCTGGGGGTCTCTTCCTCTGCAGTGGAGA-3'
Protein context (NP_001352205.1, residues 3153-3173): PTEPSTEAPE[Ala3163Gly]PEEPLLGELT

ClinVar aggregate classification (germline): Conflicting classifications of pathogenicity. Review status: criteria provided, conflicting classifications (1 of 4 stars). 5 submissions from 5 submitters: Uncertain significance (1); Benign (2); Likely benign (2). Last evaluated 2026-01-17.

Conditions:
Ehlers-Danlos syndrome (EDS). Identifiers: Orphanet 98249, MedGen C0013720, MONDO:0020066.
Cardiovascular phenotype. Identifiers: MedGen CN230736.

Allele frequency attached by ClinVar (database versions not stated): gnomAD 0.00005 and 0.00033; TOPMed 0.00014; gnomAD exomes 0.00100; ExAC 0.00117; 1000 Genomes Project 0.00140; 1000 Genomes Project 30x 0.00141.
gnomAD v4.1: 738 of 1,612,488 alleles (0.046%); highest among the groups gnomAD compares: South Asian, 0.69%; 9 homozygotes.

Submissions (5):

Labcorp Genetics (formerly Invitae), Labcorp
Classification: Benign. Last evaluated: 2026-01-17. Review status: criteria provided, single submitter. Criteria: Invitae Variant Classification Sherloc (09022015). Collection method: clinical testing. Allele origin: germline.

Women's Health and Genetics/Laboratory Corporation of America, LabCorp
Classification: Likely benign. Last evaluated: 2025-04-02. Review status: criteria provided, single submitter. Criteria: LabCorp Variant Classification Summary - May 2015. Collection method: clinical testing. Allele origin: germline.
Comment: Variant summary: TNXB c.9482C>G (p.Ala3161Gly) results in a non-conservative amino acid change in the encoded protein sequence. Four of five in-silico tools predict a benign effect of the variant on protein function. The variant allele was found at a frequency of 0.001 in 243994 control chromosomes, predominantly at a frequency of 0.0076 within the South Asian subpopulation in the gnomAD database, including 1 homozygotes. The observed variant frequency within South Asian control individuals in the gnomAD database is approximately 7 fold of the estimated maximal expected allele frequency for a pathogenic variant in TNXB causing Ehlers-Danlos syndrome due to tenascin-X deficiency phenotype (0.0011). To our knowledge, no occurrence of c.9482C>G in individuals affected with Ehlers-Danlos syndrome due to tenascin-X deficiency and no experimental evidence demonstrating its impact on protein function have been reported. ClinVar contains an entry for this variant (Variation ID: 1300638). Based on the evidence outlined above, the variant was classified as likely benign.

Ambry Genetics
Classification: Benign for Cardiovascular phenotype. Last evaluated: 2023-12-14. Review status: criteria provided, single submitter. Criteria: Ambry Variant Classification Scheme 2023. Collection method: clinical testing. Allele origin: germline.

GeneDx
Classification: Likely benign. Last evaluated: 2021-04-17. Review status: criteria provided, single submitter. Criteria: GeneDx Variant Classification Process June 2021. Collection method: clinical testing. Allele origin: germline. Affected: yes.

Genome Diagnostics Laboratory, The Hospital for Sick Children
Classification: Uncertain significance for Ehlers-Danlos syndrome. Last evaluated: 2019-05-01. Review status: criteria provided, single submitter. Criteria: ACMG Guidelines, 2015. Collection method: clinical testing. Allele origin: germline.